The following is an entry in ClinVar:

NM_003677.5(DENR):c.65A>C (p.Lys22Thr)

Gene: DENR (density regulated re-initiation and release factor; plus strand). Cytogenetic location: 12q24.31.
Variant type: single nucleotide variant.
Coding change: c.65A>C on transcript NM_003677.5 (MANE Select); coding-DNA position 65, A replaced by C.
Protein change: p.Lys22Thr; replaces lysine 22 with threonine.
Molecular consequence: missense variant.
Genome position (GRCh38, 1-based): chr12:122,753,766, A>C. VCF-style: chr12-122753766-A-C. GRCh37 (hg19) VCF-style: chr12-123238313-A-C.
Other names: short protein forms K22T.
Identifiers: ClinVar variation 3044403 (VCV003044403.2), dbSNP rs200474298, ClinGen allele CA6850097.
Genomic context (GRCh38, chr12:122,753,766, plus strand): 5'-CTGCTGACATTTCTGAATCCAGCGGGGCTGACTGCAAAGGAGACCCAAGGAACAGTGCCA[A>C]GTTAGATGCCGATTACCCACTTCGAGTCCTTTATTGTGGAGGCAAGTGTTGGTAGCCACA-3'
Protein context (NP_003668.2, residues 12-32): DCKGDPRNSA[Lys22Thr]LDADYPLRVL

ClinVar aggregate classification (germline): Likely benign (0 of 4 stars; one submission).

Conditions:
DENR-related disorder. Also called: DENR-related condition.

Allele frequency attached by ClinVar (database versions not stated): TOPMed 0.00105; gnomAD 0.00113; ExAC 0.00120; gnomAD exomes 0.00147; ESP Exome Variant Server 0.00164.

Submission:

PreventionGenetics, part of Exact Sciences
Classification: Likely benign for DENR-related condition. Last evaluated: 2022-12-28. Review status: no assertion criteria provided. Collection method: clinical testing. Allele origin: germline.
Comment: This variant is classified as likely benign based on ACMG/AMP sequence variant interpretation guidelines (Richards et al. 2015 PMID: 25741868, with internal and published modifications).